The following is an entry in ClinVar:

ClinVar aggregate classification (germline): Uncertain significance. Review status: criteria provided, multiple submitters, no conflicts (2 of 4 stars). 3 submissions from 3 submitters: Uncertain significance (3). Last evaluated 2025-11-22.

Conditions:
Hereditary cancer-predisposing syndrome. Also called: Hereditary Cancer Syndrome; Hereditary neoplastic syndrome; Tumor predisposition; Neoplastic Syndromes, Hereditary. Identifiers: Orphanet 140162, MedGen C0027672, MeSH D009386, MONDO:0015356.

Allele frequency attached by ClinVar (database versions not stated): gnomAD exomes below 0.00001; TOPMed below 0.00001; ExAC 0.00001; gnomAD 0.00001.
gnomAD v4.1: 1 of 1,613,962 alleles (0.000062%); highest among the groups gnomAD compares: African/African-American, 0.0013%; no homozygotes.

Submissions (3):

Labcorp Genetics (formerly Invitae), Labcorp
Classification: Uncertain significance. Last evaluated: 2025-11-22. Review status: criteria provided, single submitter. Criteria: Invitae Variant Classification Sherloc (09022015). Collection method: clinical testing. Allele origin: germline.
Comment: This sequence change replaces proline, which is neutral and non-polar, with serine, which is neutral and polar, at codon 557 of the POLE protein (p.Pro557Ser). This variant is present in population databases (rs754985761, gnomAD 0.007%). This variant has not been reported in the literature in individuals affected with POLE-related conditions. ClinVar contains an entry for this variant (Variation ID: 843185). Invitae Evidence Modeling of protein sequence and biophysical properties (such as structural, functional, and spatial information, amino acid conservation, physicochemical variation, residue mobility, and thermodynamic stability) indicates that this missense variant is not expected to disrupt POLE protein function with a negative predictive value of 80%. In summary, the available evidence is currently insufficient to determine the role of this variant in disease. Therefore, it has been classified as a Variant of Uncertain Significance.

Ambry Genetics
Classification: Uncertain significance for Hereditary cancer-predisposing syndrome. Last evaluated: 2022-05-01. Review status: criteria provided, single submitter. Criteria: Ambry Variant Classification Scheme 2023. Collection method: clinical testing. Allele origin: germline.
Comment: The p.P557S variant (also known as c.1669C>T), located in coding exon 15 of the POLE gene, results from a C to T substitution at nucleotide position 1669. The proline at codon 557 is replaced by serine, an amino acid with similar properties. This amino acid position is conserved. In addition, the in silico prediction for this alteration is inconclusive. Since supporting evidence is limited at this time, the clinical significance of this alteration remains unclear.

GeneDx
Classification: Uncertain significance. Last evaluated: 2019-07-16. Review status: criteria provided, single submitter. Criteria: GeneDx Variant Classification Process June 2021. Collection method: clinical testing. Allele origin: germline. Affected: yes.
Comment: Not observed at a significant frequency in large population cohorts (Lek et al., 2016); In silico analysis, which includes protein predictors and evolutionary conservation, supports a deleterious effect; Has not been previously published as pathogenic or benign to our knowledge

NM_006231.4(POLE):c.1669C>T (p.Pro557Ser)

Gene: POLE (DNA polymerase epsilon, catalytic subunit; minus strand). Cytogenetic location: 12q24.33.
Variant type: single nucleotide variant.
Coding change: c.1669C>T on transcript NM_006231.4 (MANE Select); coding-DNA position 1669, C replaced by T.
Protein change: p.Pro557Ser; replaces proline 557 with serine.
Molecular consequence: missense variant.
Genome position (GRCh38, 1-based): chr12:132,672,644, G>A on the plus strand (C>T on the coding strand, the complement: POLE is on the minus strand). VCF-style: chr12-132672644-G-A. GRCh37 (hg19) VCF-style: chr12-133249230-G-A.
Other names: short protein forms P557S.
Identifiers: ClinVar variation 843185 (VCV000843185.13), dbSNP rs754985761, ClinGen allele CA6893889.
Genomic context (GRCh38, chr12:132,672,644, plus strand): 5'-GCACAAGAGTGGGAAGAATCTGAATCCCAGGGAAGAAGCACACCATCCTAAACCGGCAAG[G>A]GATATCGCTGCGGAAAACCCCAGACTCGAGGGCCTCCACGTGGCCCCCGACGTAGGTCTC-3'
Protein context (NP_006222.2, residues 547-567): LESGVFRSDI[Pro557Ser]CRFRMNPAAF